The following is an entry in ClinVar:

NM_006231.4(POLE):c.3142G>C (p.Glu1048Gln)

Gene: POLE (DNA polymerase epsilon, catalytic subunit; minus strand). Cytogenetic location: 12q24.33.
Variant type: single nucleotide variant.
Coding change: c.3142G>C on transcript NM_006231.4 (MANE Select); coding-DNA position 3142, G replaced by C.
Protein change: p.Glu1048Gln; replaces glutamic acid 1048 with glutamine.
Molecular consequence: missense variant.
Genome position (GRCh38, 1-based): chr12:132,659,428, C>G on the plus strand (G>C on the coding strand, the complement: POLE is on the minus strand). VCF-style: chr12-132659428-C-G. GRCh37 (hg19) VCF-style: chr12-133236014-C-G.
Other names: short protein forms E1048Q.
Identifiers: ClinVar variation 3654864 (VCV003654864.2).
Genomic context (GRCh38, chr12:132,659,428, plus strand): 5'-TCTGGTCTCCCAGGAACTCGGCCAGGCGCTTTGCTGTGCTGATGGACGTAGACTTCTGCT[C>G]CCCGTAATCTTCCAGCTTCCGAGACATGGAACGGTTCTCAGAGATGAGCTCGAATAGCTC-3'
Protein context (NP_006222.2, residues 1038-1058): SMSRKLEDYG[Glu1048Gln]QKSTSISTAK

ClinVar aggregate classification (germline): Uncertain significance (1 of 4 stars; one submission).

gnomAD v4.1: 1 of 1,614,082 alleles (0.000062%); highest among the groups gnomAD compares: Non-Finnish European, 0.000085%; no homozygotes.

Submission:

Labcorp Genetics (formerly Invitae), Labcorp
Classification: Uncertain significance. Last evaluated: 2024-05-28. Review status: criteria provided, single submitter. Criteria: Invitae Variant Classification Sherloc (09022015). Collection method: clinical testing. Allele origin: germline.
Comment: This sequence change replaces glutamic acid, which is acidic and polar, with glutamine, which is neutral and polar, at codon 1048 of the POLE protein (p.Glu1048Gln). This variant is present in population databases (no rsID available, gnomAD 0.007%). This variant has not been reported in the literature in individuals affected with POLE-related conditions. Advanced modeling of protein sequence and biophysical properties (such as structural, functional, and spatial information, amino acid conservation, physicochemical variation, residue mobility, and thermodynamic stability) performed at Invitae indicates that this missense variant is not expected to disrupt POLE protein function with a negative predictive value of 80%. In summary, the available evidence is currently insufficient to determine the role of this variant in disease. Therefore, it has been classified as a Variant of Uncertain Significance.